The following is an entry in ClinVar:

NM_004817.4(TJP2):c.764G>A (p.Arg255Gln)

Gene: TJP2 (tight junction protein 2; plus strand). Cytogenetic location: 9q21.11.
Variant type: single nucleotide variant.
Coding change: c.764G>A on transcript NM_004817.4 (MANE Select); coding-DNA position 764, G replaced by A.
Protein change: p.Arg255Gln; replaces arginine 255 with glutamine.
Molecular consequence: missense variant.
Genome position (GRCh38, 1-based): chr9:69,221,308, G>A. VCF-style: chr9-69221308-G-A. GRCh37 (hg19) VCF-style: chr9-71836224-G-A.
Other names: c.695G>A, p.Arg232Gln (NM_001170414.2, NM_001369870.1, NM_001369871.1); c.776G>A, p.Arg259Gln (NM_001170415.1, NM_001369874.1, NM_001369875.1); c.857G>A, p.Arg286Gln (NM_001170416.2); c.764G>A, p.Arg255Gln (NM_001369872.1, NM_001369873.1, NM_201629.3); short protein forms R232Q, R255Q, R259Q, R286Q.
Identifiers: ClinVar variation 2499935 (VCV002499935.4), dbSNP rs1207986488, ClinGen allele CA373529209.

ClinVar aggregate classification (germline): Conflicting classifications of pathogenicity. Review status: criteria provided, conflicting classifications (1 of 4 stars). 3 submissions from 3 submitters: Uncertain significance (2); Likely benign (1). Last evaluated 2026-07-01.

Conditions:
Inborn genetic diseases. Identifiers: MedGen C0950123, MeSH D030342.
TJP2-related disorder. Also called: TJP2-related condition.

Allele frequency attached by ClinVar (database versions not stated): TOPMed 0.00001; gnomAD 0.00001; gnomAD exomes 0.00001.
gnomAD v4.1: 14 of 1,604,716 alleles (0.00087%); highest among the groups gnomAD compares: Admixed American, 0.012%; no homozygotes.

Submissions (3):

PreventionGenetics, part of Exact Sciences
Classification: Uncertain significance for TJP2-related condition. Last evaluated: 2026-07-01. Review status: criteria provided, single submitter. Criteria: ACMG Guidelines, 2015. Collection method: clinical testing. Allele origin: germline.
Comment: The TJP2 c.764G>A variant is predicted to result in the amino acid substitution p.Arg255Gln. To our knowledge, this variant has not been reported in the literature. This variant is reported in 0.0089% of alleles in individuals of African descent in gnomAD. At this time, the clinical significance of this variant is uncertain due to the absence of conclusive functional and genetic evidence.

Ambry Genetics
Classification: Likely benign for Inborn genetic diseases. Last evaluated: 2024-07-05. Review status: criteria provided, single submitter. Criteria: Ambry Variant Classification Scheme 2023. Collection method: clinical testing. Allele origin: germline.

GeneDx
Classification: Uncertain significance. Last evaluated: 2022-10-24. Review status: criteria provided, single submitter. Criteria: GeneDx Variant Classification Process June 2021. Collection method: clinical testing. Allele origin: germline. Affected: yes.
Comment: In silico analysis supports that this missense variant does not alter protein structure/function; Has not been previously published as pathogenic or benign to our knowledge